The following is an entry in ClinVar:

NM_004482.4(GALNT3):c.407A>G (p.Glu136Gly)

Gene: GALNT3 (polypeptide N-acetylgalactosaminyltransferase 3; minus strand). Cytogenetic location: 2q24.3.
Variant type: single nucleotide variant.
Coding change: c.407A>G on transcript NM_004482.4 (MANE Select); coding-DNA position 407, A replaced by G.
Protein change: p.Glu136Gly; replaces glutamic acid 136 with glycine.
Molecular consequence: missense variant.
Genome position (GRCh38, 1-based): chr2:165,770,294, T>C on the plus strand (A>G on the coding strand, the complement: GALNT3 is on the minus strand). VCF-style: chr2-165770294-T-C. GRCh37 (hg19) VCF-style: chr2-166626804-T-C.
Other names: p.Glu136Gly; short protein forms E136G.
Identifiers: ClinVar variation 894065 (VCV000894065.14), dbSNP rs114745771, ClinGen allele CA1941243.

ClinVar aggregate classification (germline): Benign. Review status: criteria provided, multiple submitters, no conflicts (2 of 4 stars). 4 submissions from 4 submitters: Benign (4). Last evaluated 2026-01-31.

Conditions:
Tumoral calcinosis, hyperphosphatemic, familial, 1. Also called: CALCINOSIS, TUMORAL, WITH HYPERPHOSPHATEMIA; LIPOCALCINOGRANULOMATOSIS; MORBUS TEUTSCHLAENDER; HYPEROSTOSIS WITH HYPERPHOSPHATEMIA; HYPEROSTOSIS-HYPERPHOSPHATEMIA SYNDROME; CORTICAL HYPEROSTOSIS WITH HYPERPHOSPHATEMIA. Identifiers: Orphanet 53715, MedGen C4692564, MONDO:0100252, OMIM 211900.

Allele frequency attached by ClinVar (database versions not stated): gnomAD exomes 0.00029 and 0.00069; ExAC 0.00093; gnomAD 0.00302 and 0.00319; 1000 Genomes Project 30x 0.00312; 1000 Genomes Project 0.00319; TOPMed 0.00328; ESP Exome Variant Server 0.00338.

Submissions (4):

Labcorp Genetics (formerly Invitae), Labcorp
Classification: Benign. Last evaluated: 2026-01-31. Review status: criteria provided, single submitter. Criteria: Invitae Variant Classification Sherloc (09022015). Collection method: clinical testing. Allele origin: germline.

Mayo Clinic Laboratories, Mayo Clinic
Classification: Benign. Last evaluated: 2024-12-03. Review status: criteria provided, single submitter. Criteria: ACMG Guidelines, 2015. Collection method: clinical testing. Allele origin: germline. Observed: 1 variant allele.
Comment: BS1, BS2, BP4_moderate

Illumina Laboratory Services, Illumina
Classification: Benign for Tumoral calcinosis, hyperphosphatemic, familial, 1. Last evaluated: 2018-01-12. Review status: criteria provided, single submitter. Criteria: ICSL Variant Classification Criteria 13 December 2019. Collection method: clinical testing. Allele origin: germline.
Comment: This variant was observed in the ICSL laboratory as part of a predisposition screen in an ostensibly healthy population. It had not been previously curated by ICSL or reported in the Human Gene Mutation Database (HGMD: prior to June 1st, 2018), and was therefore a candidate for classification through an automated scoring system. Utilizing variant allele frequency, disease prevalence and penetrance estimates, and inheritance mode, an automated score was calculated to assess if this variant is too frequent to cause the disease. Based on the score and internal cut-off values, a variant classified as benign is not then subjected to further curation. The score for this variant resulted in a classification of benign for this disease.

Breakthrough Genomics
Classification: Benign. Review status: criteria provided, single submitter. Criteria: ACMG Guidelines, 2015. Collection method: not provided. Allele origin: germline. Inheritance: Autosomal recessive inheritance. Affected: yes.